The following is an entry in ClinVar:

NM_001127178.3(PIGG):c.1640G>A (p.Trp547Ter)

Gene: PIGG (phosphatidylinositol glycan anchor biosynthesis class G (EMM blood group); plus strand). Cytogenetic location: 4p16.3.
Variant type: single nucleotide variant.
Coding change: c.1640G>A on transcript NM_001127178.3 (MANE Select); coding-DNA position 1640, G replaced by A.
Protein change: p.Trp547Ter; replaces tryptophan 547 with a stop codon.
Molecular consequence: nonsense. On other transcripts: non-coding transcript variant (7).
Genome position (GRCh38, 1-based): chr4:523,484, G>A. VCF-style: chr4-523484-G-A. GRCh37 (hg19) VCF-style: chr4-517273-G-A.
Other names: PIGG, TRP547TER (rs547951371); c.1373G>A, p.Trp458Ter (NM_001289051.2, NM_001345986.2); c.1241G>A, p.Trp414Ter (NM_001289052.2); c.1349G>A, p.Trp450Ter (NM_001345987.2); c.611G>A, p.Trp204Ter (NM_001345988.2); c.107G>A, p.Trp36Ter (NM_001345990.2, NM_001345991.2); c.542G>A, p.Trp181Ter (NM_001345994.2); c.1616G>A, p.Trp539Ter (NM_017733.5); short protein forms W547*, W181*, W204*, W36*, W414*, W450*, W458*, W539*.
Identifiers: ClinVar variation 1686808 (VCV001686808.5), dbSNP rs547951371, ClinGen allele CA2793422.

ClinVar aggregate classification (germline): Pathogenic. Review status: criteria provided, single submitter (1 of 4 stars). 3 submissions from 2 submitters: Pathogenic (1). 2 of the submissions do not count toward it. Last evaluated 2024-07-22.

Conditions:
Intellectual disability, autosomal recessive 53 (NEDHSCA). Also called: NEURODEVELOPMENTAL DISORDER WITH OR WITHOUT HYPOTONIA, SEIZURES, AND CEREBELLAR ATROPHY; GLYCOSYLPHOSPHATIDYLINOSITOL BIOSYNTHESIS DEFECT 13; Mental retardation, autosomal recessive 53. Identifiers: Orphanet 488635, MedGen C4310794, MONDO:0014832, OMIM 616917.
Emm-null phenotype. Identifiers: MedGen C5677026.

Allele frequency attached by ClinVar (database versions not stated): TOPMed below 0.00001; gnomAD 0.00001; gnomAD exomes 0.00002; ExAC 0.00004; 1000 Genomes Project 0.00020.
gnomAD v4.1: 12 of 1,611,702 alleles (0.00074%); highest among the groups gnomAD compares: Non-Finnish European, 0.00093%; no homozygotes.

Submissions (3):

Labcorp Genetics (formerly Invitae), Labcorp
Classification: Pathogenic for Intellectual disability, autosomal recessive 53. Last evaluated: 2024-07-22. Review status: criteria provided, single submitter. Criteria: Invitae Variant Classification Sherloc (09022015). Collection method: clinical testing. Allele origin: germline.
Comment: This sequence change creates a premature translational stop signal (p.Trp547*) in the PIGG gene. It is expected to result in an absent or disrupted protein product. Loss-of-function variants in PIGG are known to be pathogenic (PMID: 26996948, 28581210, 28771251). This variant is present in population databases (rs547951371, gnomAD 0.007%). This premature translational stop signal has been observed in individual(s) with clinical features of congenital disorder of glycosylation (PMID: 28581210). ClinVar contains an entry for this variant (Variation ID: 1686808). For these reasons, this variant has been classified as Pathogenic.

OMIM
Classification: Pathogenic for EMM-NULL PHENOTYPE. Last evaluated: 2023-01-20. Review status: no assertion criteria provided. Collection method: literature only. Allele origin: germline. Not counted in ClinVar's aggregate classification.

OMIM
Classification: Pathogenic for NEURODEVELOPMENTAL DISORDER WITH OR WITHOUT HYPOTONIA, SEIZURES, AND CEREBELLAR ATROPHY. Last evaluated: 2022-04-30. Review status: no assertion criteria provided. Collection method: literature only. Allele origin: germline. Not counted in ClinVar's aggregate classification.

Literature cited by the submitters: PubMed 26996948 (cited by Labcorp Genetics (formerly Invitae), Labcorp); PubMed 28581210 (cited by Labcorp Genetics (formerly Invitae), Labcorp and OMIM); PubMed 28771251 (cited by Labcorp Genetics (formerly Invitae), Labcorp); PubMed 34535746 (cited by OMIM).